The following is an entry in ClinVar:

NM_032531.4(KIRREL3):c.1897C>A (p.Pro633Thr)

Gene: KIRREL3 (kirre like nephrin family adhesion molecule 3; minus strand). Cytogenetic location: 11q24.2.
Variant type: single nucleotide variant.
Coding change: c.1897C>A on transcript NM_032531.4 (MANE Select); coding-DNA position 1897, C replaced by A.
Protein change: p.Pro633Thr; replaces proline 633 with threonine.
Molecular consequence: missense variant.
Genome position (GRCh38, 1-based): chr11:126,425,020, G>T on the plus strand (C>A on the coding strand, the complement: KIRREL3 is on the minus strand). VCF-style: chr11-126425020-G-T. GRCh37 (hg19) VCF-style: chr11-126294915-G-T.
Other names: c.1861C>A, p.Pro621Thr (NM_001301097.2); c.1936C>A, p.Pro646Thr (NM_001441251.1, NM_001441254.1); c.2005C>A, p.Pro669Thr (NM_001441252.1); c.1972C>A, p.Pro658Thr (NM_001441253.1); c.1930C>A, p.Pro644Thr (NM_001441255.1); c.1900C>A, p.Pro634Thr (NM_001441256.1); c.1897C>A, p.Pro633Thr (NM_001441257.1, NM_001441258.1); c.1855C>A, p.Pro619Thr (NM_001441259.1); and 3 more; short protein forms P571T, P585T, P607T, P619T, P621T, P633T, P634T, P644T.
Identifiers: ClinVar variation 4887909 (VCV004887909.1).
Genomic context (GRCh38, chr11:126,425,020, plus strand): 5'-AGATGGTCGGGGTTGAGTGGTGCTCTTTGAAGGTGTTGACGCTGTAGTAGCCATTGGTGG[G>T]GTCCTGGATGGGCGAGAGGAAGAGGAGCGTCACCTGGTGGAGTCTCCACTGAGCGTGGCT-3'
Protein context (NP_115920.1, residues 623-643): EEKEFQNLKD[Pro633Thr]TNGYYSVNTF

ClinVar aggregate classification (germline): Uncertain significance (1 of 4 stars; one submission).

gnomAD v4.1: 4 of 1,524,472 alleles (0.00026%); highest among the groups gnomAD compares: African/African-American, 0.0028%; no homozygotes.

Submission:

GeneDx
Classification: Uncertain significance. Last evaluated: 2023-06-16. Review status: criteria provided, single submitter. Criteria: GeneDx Variant Classification Process June 2021. Collection method: clinical testing. Allele origin: germline.
Comment: Not observed at significant frequency in large population cohorts (gnomAD); In silico analysis supports that this missense variant has a deleterious effect on protein structure/function; Has not been previously published as pathogenic or benign to our knowledge; Variants in candidate genes are classified as variants of uncertain significance in accordance with ACMG guidelines (Richards et al., 2015)